The following is an entry in ClinVar:

NM_020745.4(AARS2):c.77G>A (p.Ser26Asn)

Gene: AARS2 (alanyl-tRNA synthetase 2, mitochondrial; minus strand). Cytogenetic location: 6p21.1.
Variant type: single nucleotide variant.
Coding change: c.77G>A on transcript NM_020745.4 (MANE Select); coding-DNA position 77, G replaced by A.
Protein change: p.Ser26Asn; replaces serine 26 with asparagine.
Molecular consequence: missense variant.
Genome position (GRCh38, 1-based): chr6:44,313,247, C>T on the plus strand (G>A on the coding strand, the complement: AARS2 is on the minus strand). VCF-style: chr6-44313247-C-T. GRCh37 (hg19) VCF-style: chr6-44280984-C-T.
Other names: short protein forms S26N.
Identifiers: ClinVar variation 1357474 (VCV001357474.9), dbSNP rs747099630, ClinGen allele CA3834747.

ClinVar aggregate classification (germline): Uncertain significance (1 of 4 stars; one submission).

Allele frequency attached by ClinVar (database versions not stated): gnomAD 0.00001; gnomAD exomes 0.00001; TOPMed 0.00002.
gnomAD v4.1: 8 of 1,579,404 alleles (0.00051%); highest among the groups gnomAD compares: Middle Eastern, 0.02%; no homozygotes.

Submission:

Labcorp Genetics (formerly Invitae), Labcorp
Classification: Uncertain significance. Last evaluated: 2024-05-15. Review status: criteria provided, single submitter. Criteria: Invitae Variant Classification Sherloc (09022015). Collection method: clinical testing. Allele origin: germline.
Comment: This sequence change replaces serine, which is neutral and polar, with asparagine, which is neutral and polar, at codon 26 of the AARS2 protein (p.Ser26Asn). This variant is present in population databases (rs747099630, gnomAD no frequency). This variant has not been reported in the literature in individuals affected with AARS2-related conditions. ClinVar contains an entry for this variant (Variation ID: 1357474). Advanced modeling of protein sequence and biophysical properties (such as structural, functional, and spatial information, amino acid conservation, physicochemical variation, residue mobility, and thermodynamic stability) performed at Invitae indicates that this missense variant is not expected to disrupt AARS2 protein function with a negative predictive value of 95%. In summary, the available evidence is currently insufficient to determine the role of this variant in disease. Therefore, it has been classified as a Variant of Uncertain Significance.